The following is an entry in ClinVar:

ClinVar aggregate classification (germline): Pathogenic (1 of 4 stars; one submission).

Conditions:
Donnai-Barrow syndrome. Also called: DBS/FOAR SYNDROME; FACIOOCULOACOUSTICORENAL SYNDROME. Identifiers: Orphanet 2143, MedGen C1857277, MONDO:0009104, OMIM 222448.

Submission:

Myriad Genetics, Inc.
Classification: Pathogenic for Donnai-Barrow syndrome. Last evaluated: 2025-11-27. Review status: criteria provided, single submitter. Criteria: Myriad Autosomal Dominant, Autosomal Recessive and X-Linked Classification Criteria (2023). Collection method: clinical testing. Allele origin: unknown.
Comment: NM_004525.2(LRP2):c.5514delC(N1839Ifs*10) is expected to be pathogenic in the context of Donnai-Barrow syndrome. This variant is predicted to lead to an abnormal or absent protein product due to the creation of a premature termination codon in LRP2, a gene where loss-of-function variants are known to be pathogenic. Please note: this variant was assessed in the context of healthy population screening.

NM_004525.3(LRP2):c.5514del (p.Asn1839fs)

Gene: LRP2 (LDL receptor related protein 2; minus strand). Cytogenetic location: 2q31.1.
Variant type: Deletion.
Coding change: c.5514del on transcript NM_004525.3 (MANE Select); coding-DNA position 5514, one base deleted (C; older notation c.5514delC).
Protein change: p.Asn1839fs; shifts the reading frame from asparagine 1839.
Molecular consequence: frameshift variant.
Genome position (GRCh38, 1-based): chr2:169,225,334, G deleted on the plus strand (C on the coding strand, the reverse complement: LRP2 is on the minus strand); the first of 2 consecutive G bases (chr2:169,225,334-169,225,335); deleting either gives the same sequence. VCF-style (leftmost placement, unchanged base first): chr2-169225333-TG-T. GRCh37 (hg19) VCF-style: chr2-170081843-TG-T.
Other names: short protein forms N1839fs.
Identifiers: ClinVar variation 5015269 (VCV005015269.1).